The following is an entry in ClinVar:

NM_024989.4(PGAP1):c.2738T>A (p.Leu913His)

Gene: PGAP1 (post-GPI attachment to proteins inositol deacylase 1; minus strand). Cytogenetic location: 2q33.1.
Variant type: single nucleotide variant.
Coding change: c.2738T>A on transcript NM_024989.4 (MANE Select); coding-DNA position 2738, T replaced by A.
Protein change: p.Leu913His; replaces leucine 913 with histidine.
Molecular consequence: missense variant.
Genome position (GRCh38, 1-based): chr2:196,841,265, A>T on the plus strand (T>A on the coding strand, the complement: PGAP1 is on the minus strand). VCF-style: chr2-196841265-A-T. GRCh37 (hg19) VCF-style: chr2-197705989-A-T.
Other names: c.2216T>A, p.Leu739His (NM_001321099.2); c.1571T>A, p.Leu524His (NM_001321100.2); short protein forms L524H, L739H, L913H.
Identifiers: ClinVar variation 5017814 (VCV005017814.1).

ClinVar aggregate classification (germline): Uncertain significance (1 of 4 stars; one submission).

Submission:

GeneDx
Classification: Uncertain significance. Last evaluated: 2026-04-03. Review status: criteria provided, single submitter. Criteria: GeneDx Variant Classification Process June 2021. Collection method: clinical testing. Allele origin: germline.
Comment: Not observed at significant frequency in large population cohorts (gnomAD); In silico analysis supports that this missense variant has a deleterious effect on protein structure/function; Has not been previously published as pathogenic or benign to our knowledge